The following is an entry in ClinVar:

ClinVar aggregate classification (germline): Pathogenic (1 of 4 stars; one submission).

Conditions:
Congenital myotonia, autosomal recessive form. Also called: BECKER DISEASE; Becker Generalized Myotonia; myotonia congenita, autosomal recessive. Identifiers: Orphanet 614, MedGen C0751360, MONDO:0009715, OMIM 255700.
Congenital myotonia, autosomal dominant form (THD). Also called: THOMSEN DISEASE; Myotonia congenita autosomal dominant. Identifiers: Orphanet 614, MedGen C2936781, MONDO:0008055, OMIM 160800.

Submission:

Labcorp Genetics (formerly Invitae), Labcorp
Classification: Pathogenic for Congenital myotonia, autosomal recessive form; Congenital myotonia, autosomal dominant form. Last evaluated: 2022-09-15. Review status: criteria provided, single submitter. Criteria: Invitae Variant Classification Sherloc (09022015). Collection method: clinical testing. Allele origin: germline.
Comment: For these reasons, this variant has been classified as Pathogenic. This variant has not been reported in the literature in individuals affected with CLCN1-related conditions. This variant is not present in population databases (gnomAD no frequency). This sequence change creates a premature translational stop signal (p.Leu427Cysfs*8) in the CLCN1 gene. It is expected to result in an absent or disrupted protein product. Loss-of-function variants in CLCN1 are known to be pathogenic (PMID: 17932099, 22094069, 23739125).

Literature cited by the submitters: PubMed 17932099; PubMed 22094069; PubMed 23739125.

NM_000083.3(CLCN1):c.1280del (p.Leu427fs)

Gene: CLCN1 (chloride voltage-gated channel 1; plus strand). Cytogenetic location: 7q34.
Variant type: Deletion.
Coding change: c.1280del on transcript NM_000083.3 (MANE Select); coding-DNA position 1280, one base deleted (T; older notation c.1280delT).
Protein change: p.Leu427fs; shifts the reading frame from leucine 427.
Molecular consequence: frameshift variant.
Genome position (GRCh38, 1-based): chr7:143,332,752, T deleted; the last of 3 consecutive T bases (chr7:143,332,750-143,332,752); deleting any one gives the same sequence. VCF-style (leftmost placement, unchanged base first): chr7-143332749-CT-C. GRCh37 (hg19) VCF-style: chr7-143029842-CT-C.
Other names: short protein forms L427fs.
Identifiers: ClinVar variation 2109533 (VCV002109533.4), dbSNP rs2487064738, ClinGen allele CA2580077640.
Genomic context (GRCh38, chr7:143,332,749, plus strand): 5'-GGAGAACCCACCCTTTCTGCTTCTTCCTCTCCCAGTTGATGCCCCGCGAAGCCATCAGTA[CT>C]TTGTTTGACAACAATACATGGGTGAAACACGCGGGTGATCCTGAGAGCCTGGGCCAGTCA-3'